The following is an entry in ClinVar:

ClinVar aggregate classification (germline): Uncertain significance (1 of 4 stars; one submission).

Conditions:
Birt-Hogg-Dube syndrome. Also called: Birt Hogg Dubé syndrome. Identifiers: Orphanet 122, MedGen C0346010, MONDO:0800444.

Allele frequency attached by ClinVar (database versions not stated): gnomAD exomes below 0.00001.
gnomAD v4.1: 1 of 1,614,156 alleles (0.000062%); highest among the groups gnomAD compares: Admixed American, 0.0017%; no homozygotes.

Submission:

Labcorp Genetics (formerly Invitae), Labcorp
Classification: Uncertain significance for Birt-Hogg-Dube syndrome. Last evaluated: 2023-09-25. Review status: criteria provided, single submitter. Criteria: Invitae Variant Classification Sherloc (09022015). Collection method: clinical testing. Allele origin: germline.
Comment: This sequence change replaces serine, which is neutral and polar, with asparagine, which is neutral and polar, at codon 72 of the FLCN protein (p.Ser72Asn). This variant is not present in population databases (gnomAD no frequency). This variant has not been reported in the literature in individuals affected with FLCN-related conditions. Advanced modeling of protein sequence and biophysical properties (such as structural, functional, and spatial information, amino acid conservation, physicochemical variation, residue mobility, and thermodynamic stability) performed at Invitae indicates that this missense variant is not expected to disrupt FLCN protein function. In summary, the available evidence is currently insufficient to determine the role of this variant in disease. Therefore, it has been classified as a Variant of Uncertain Significance. ClinVar contains an entry for this variant (Variation ID: 2177692).

NM_144997.7(FLCN):c.215G>A (p.Ser72Asn)

Gene: FLCN (folliculin; minus strand). Cytogenetic location: 17p11.2.
Variant type: single nucleotide variant.
Coding change: c.215G>A on transcript NM_144997.7 (MANE Select); coding-DNA position 215, G replaced by A.
Protein change: p.Ser72Asn; replaces serine 72 with asparagine.
Molecular consequence: missense variant.
Genome position (GRCh38, 1-based): chr17:17,227,923, C>T on the plus strand (G>A on the coding strand, the complement: FLCN is on the minus strand). VCF-style: chr17-17227923-C-T. GRCh37 (hg19) VCF-style: chr17-17131237-C-T.
Other names: c.215G>A, p.Ser72Asn (NM_001353229.2, NM_001353230.2, NM_001353231.2 and 1 more transcripts); short protein forms S72N.
Identifiers: ClinVar variation 2177692 (VCV002177692.4), dbSNP rs2145040130, ClinGen allele CA398535086.